The following is an entry in ClinVar:

ClinVar aggregate classification (germline): Uncertain significance (1 of 4 stars; one submission).

Submission:

GeneDx
Classification: Uncertain significance. Last evaluated: 2025-10-07. Review status: criteria provided, single submitter. Criteria: GeneDx Variant Classification Process June 2021. Collection method: clinical testing. Allele origin: germline.
Comment: Not observed at significant frequency in large population cohorts (gnomAD); In silico analysis suggests that this missense variant does not alter protein structure/function; Has not been previously published as pathogenic or benign to our knowledge

NM_006828.4(ASCC3):c.5519G>T (p.Cys1840Phe)

Gene: ASCC3 (activating signal cointegrator 1 complex subunit 3; minus strand). Cytogenetic location: 6q16.3.
Variant type: single nucleotide variant.
Coding change: c.5519G>T on transcript NM_006828.4 (MANE Select); coding-DNA position 5519, G replaced by T.
Protein change: p.Cys1840Phe; replaces cysteine 1840 with phenylalanine.
Molecular consequence: missense variant.
Genome position (GRCh38, 1-based): chr6:100,589,665, C>A on the plus strand (G>T on the coding strand, the complement: ASCC3 is on the minus strand). VCF-style: chr6-100589665-C-A. GRCh37 (hg19) VCF-style: chr6-101037541-C-A.
Other names: short protein forms C1840F.
Identifiers: ClinVar variation 3384241 (VCV003384241.2).